The following is an entry in ClinVar:

ClinVar aggregate classification (germline): Benign/Likely benign. Review status: criteria provided, multiple submitters, no conflicts (2 of 4 stars). 9 submissions from 9 submitters: Benign (4); Likely benign (5). Last evaluated 2026-09-01.

Conditions:
Early-infantile DEE. Also called: Early infantile epileptic encephalopathy; Ohtahara syndrome; Early infantile epileptic encephalopathy with suppression bursts. Identifiers: Orphanet 1934, MedGen C0393706, MONDO:0800491.
Inborn genetic diseases. Identifiers: MedGen C0950123, MeSH D030342.

Allele frequency attached by ClinVar (database versions not stated): gnomAD exomes 0.00054 and 0.00333; gnomAD 0.00089 and 0.00095; ExAC 0.00147; 1000 Genomes Project 0.00160; TOPMed 0.00170; 1000 Genomes Project 30x 0.00187.

Submissions (10):

CeGaT Center for Human Genetics Tuebingen
Classification: Likely benign. Last evaluated: 2026-09-01. Review status: criteria provided, single submitter. Criteria: CeGaT Center For Human Genetics Tuebingen Variant Classification Criteria Version 2. Collection method: clinical testing. Allele origin: germline. Affected: yes. Observed: 6 variant alleles.
Comment: KCNQ2: BS1

Labcorp Genetics (formerly Invitae), Labcorp
Classification: Benign for Early-infantile DEE. Last evaluated: 2026-01-21. Review status: criteria provided, single submitter. Criteria: Invitae Variant Classification Sherloc (09022015). Collection method: clinical testing. Allele origin: germline.

ARUP Laboratories, Molecular Genetics and Genomics, ARUP Laboratories
Classification: Likely benign. Last evaluated: 2025-07-15. Review status: criteria provided, single submitter. Criteria: ARUP Molecular Germline Variant Investigation Process 2024. Collection method: clinical testing. Allele origin: germline.

Blueprint Genetics
Classification: Likely benign. Last evaluated: 2024-11-27. Review status: criteria provided, single submitter. Criteria: ACMG Guidelines, 2015. Collection method: clinical testing. Allele origin: germline.

GeneDx
Classification: Benign. Last evaluated: 2020-09-03. Review status: criteria provided, single submitter. Criteria: GeneDx Variant Classification Process June 2021. Collection method: clinical testing. Allele origin: germline. Affected: yes.
Comment: This variant is associated with the following publications: (PMID: 31152295, 32276107, 31199083, 21685056)

Athena Diagnostics
Classification: Benign. Last evaluated: 2017-07-05. Review status: criteria provided, single submitter. Criteria: Athena Diagnostics Criteria. Collection method: clinical testing. Allele origin: germline.

Ambry Genetics
Classification: Benign for Inborn genetic diseases. Last evaluated: 2016-02-25. Review status: criteria provided, single submitter. Criteria: Ambry Variant Classification Scheme 2023. Collection method: clinical testing. Allele origin: germline.

Eurofins Ntd Llc (ga)
Classification: Likely benign. Last evaluated: 2015-11-13. Review status: criteria provided, single submitter. Criteria: EGL Classification Definitions 2015. Collection method: clinical testing. Allele origin: germline. Observed: 3 variant alleles, 3 heterozygotes.

Genetic Services Laboratory, University of Chicago
Classification: Likely benign for AllHighlyPenetrant. Last evaluated: 2013-07-19. Review status: criteria provided, single submitter. Criteria: ACMG Guidelines, 2007. Collection method: clinical testing. Allele origin: germline. Inheritance: Autosomal dominant inheritance.

Channelopathy-Associated Epilepsy Research Center
No classification provided (evidence only). Condition: Complex neurodevelopmental disorder. Review status: no classification provided. Collection method: literature only. Allele origin: not applicable. Functional consequence: Normal peak current, Normal rate of activation, Normal voltage dependence of activation. Not counted in ClinVar's aggregate classification.
ClinVar note: "not provided" was previously submitted as the classification for the variant. However, the classification appeared to be based only on an observation of functional data so it was converted to no classification on 2025-07-30.

Literature cited by the submitters: PubMed 21685056 (cited by Athena Diagnostics); PubMed 35104249 (cited by Channelopathy-Associated Epilepsy Research Center).

NM_172107.4(KCNQ2):c.2264A>G (p.Tyr755Cys)

Gene: KCNQ2 (potassium voltage-gated channel subfamily Q member 2; minus strand). Cytogenetic location: 20q13.33.
Variant type: single nucleotide variant.
Coding change: c.2264A>G on transcript NM_172107.4 (MANE Select); coding-DNA position 2264, A replaced by G.
Protein change: p.Tyr755Cys; replaces tyrosine 755 with cysteine.
Molecular consequence: missense variant.
Genome position (GRCh38, 1-based): chr20:63,406,999, T>C on the plus strand (A>G on the coding strand, the complement: KCNQ2 is on the minus strand). VCF-style: chr20-63406999-T-C. GRCh37 (hg19) VCF-style: chr20-62038352-T-C.
Other names: p.Y755C:TAC>TGC; c.2180A>G, p.Tyr727Cys (NM_004518.6); c.2210A>G, p.Tyr737Cys (NM_172106.3); c.2171A>G, p.Tyr724Cys (NM_172108.5); short protein forms Y755C, Y724C, Y727C, Y737C.
Identifiers: ClinVar variation 129333 (VCV000129333.34), dbSNP rs3746366, ClinGen allele CA240975.